The following is an entry in ClinVar:

ClinVar aggregate classification (germline): Conflicting classifications of pathogenicity. Review status: criteria provided, conflicting classifications (1 of 4 stars). 2 submissions from 2 submitters: Uncertain significance (1); Likely benign (1). Last evaluated 2024-04-20.

Allele frequency attached by ClinVar (database versions not stated): gnomAD exomes 0.00002; ExAC 0.00006; TOPMed 0.00023; gnomAD 0.00029; ESP Exome Variant Server 0.00031.
gnomAD v4.1: 70 of 1,613,048 alleles (0.0043%); highest among the groups gnomAD compares: African/African-American, 0.081%; no homozygotes.

Submissions (2):

Ambry Genetics
Classification: Likely benign. Last evaluated: 2024-04-20. Review status: criteria provided, single submitter. Criteria: Ambry Variant Classification Scheme 2023. Collection method: clinical testing. Allele origin: germline.

Labcorp Genetics (formerly Invitae), Labcorp
Classification: Uncertain significance. Last evaluated: 2024-01-24. Review status: criteria provided, single submitter. Criteria: Invitae Variant Classification Sherloc (09022015). Collection method: clinical testing. Allele origin: germline.
Comment: This sequence change replaces arginine, which is basic and polar, with cysteine, which is neutral and slightly polar, at codon 62 of the TMEM230 protein (p.Arg62Cys). This variant is present in population databases (rs145815993, gnomAD 0.07%), and has an allele count higher than expected for a pathogenic variant. This variant has not been reported in the literature in individuals affected with TMEM230-related conditions. Algorithms developed to predict the effect of missense changes on protein structure and function output the following: SIFT: "Not Available"; PolyPhen-2: "Probably Damaging"; Align-GVGD: "Not Available". The cysteine amino acid residue is found in multiple mammalian species, which suggests that this missense change does not adversely affect protein function. In summary, the available evidence is currently insufficient to determine the role of this variant in disease. Therefore, it has been classified as a Variant of Uncertain Significance.

NM_001009925.2(TMEM230):c.-6C>T

Gene: TMEM230 (transmembrane protein 230; minus strand). Cytogenetic location: 20p12.3.
Variant type: single nucleotide variant.
Coding change: c.-6C>T on transcript NM_001009925.2 (MANE Select); 6 bases upstream of the start codon, C replaced by T.
Molecular consequence: 5 prime UTR variant.
Genome position (GRCh38, 1-based): chr20:5,109,436, G>A on the plus strand (C>T on the coding strand, the complement: TMEM230 is on the minus strand). VCF-style: chr20-5109436-G-A. GRCh37 (hg19) VCF-style: chr20-5090082-G-A.
Other names: NM_001009923.1:c.184C>T; c.-6C>T (NM_001009924.2, NM_001330984.2, NM_001330985.2 and 4 more transcripts).
Identifiers: ClinVar variation 2907620 (VCV002907620.4), dbSNP rs145815993, ClinGen allele CA9753463.